The following is an entry in ClinVar:

NM_024665.7(TBL1XR1):c.560+5G>A

Gene: TBL1XR1 (TBL1X/Y related 1; minus strand). Cytogenetic location: 3q26.32.
Variant type: single nucleotide variant.
Coding change: c.560+5G>A on transcript NM_024665.7 (MANE Select); 5 bases into the intron after coding-DNA position 560, G replaced by A.
Molecular consequence: intron variant.
Genome position (GRCh38, 1-based): chr3:177,050,473, C>T on the plus strand (G>A on the coding strand, the complement: TBL1XR1 is on the minus strand). VCF-style: chr3-177050473-C-T. GRCh37 (hg19) VCF-style: chr3-176768261-C-T.
Other names: c.560+5G>A (NM_001374327.1, NM_001321194.3, NM_001321193.3 and 2 more transcripts); c.299+5G>A (NM_001374330.1, NM_001321195.3).
Identifiers: ClinVar variation 3370916 (VCV003370916.1).
Genomic context (GRCh38, chr3:177,050,473, plus strand): 5'-ATATGTTTATAAAATGTTCAATAAGATATTTTTAAGTCATTTTAGTATCACTTTGAGAAA[C>T]ATACCCTGATGCTAGGAGATCACTAACAGGGTTCCAGGCACAGATAAAAACTTCAGATTC-3'

ClinVar aggregate classification (germline): Uncertain significance (1 of 4 stars; one submission).

Submission:

GeneDx
Classification: Uncertain significance. Last evaluated: 2024-03-15. Review status: criteria provided, single submitter. Criteria: GeneDx Variant Classification Process June 2021. Collection method: clinical testing. Allele origin: germline. Affected: yes.
Comment: Not observed at significant frequency in large population cohorts (gnomAD); In silico analysis is inconclusive as to whether the variant alters gene splicing. In the absence of RNA/functional studies, the actual effect of this sequence change is unknown.